The following is an entry in ClinVar:

ClinVar aggregate classification (germline): Conflicting classifications of pathogenicity. Review status: criteria provided, conflicting classifications (1 of 4 stars). 2 submissions from 2 submitters: Uncertain significance (1); Likely benign (1). Last evaluated 2024-06-03.

Allele frequency attached by ClinVar (database versions not stated): ExAC 0.00001; gnomAD exomes 0.00002; TOPMed 0.00002; gnomAD 0.00004; ESP Exome Variant Server 0.00008.
gnomAD v4.1: 32 of 1,610,168 alleles (0.002%); highest among the groups gnomAD compares: African/African-American, 0.0027%; no homozygotes.

Submissions (2):

Labcorp Genetics (formerly Invitae), Labcorp
Classification: Likely benign. Last evaluated: 2024-06-03. Review status: criteria provided, single submitter. Criteria: Invitae Variant Classification Sherloc (09022015). Collection method: clinical testing. Allele origin: germline.

GeneDx
Classification: Uncertain significance. Last evaluated: 2022-05-31. Review status: criteria provided, single submitter. Criteria: GeneDx Variant Classification Process June 2021. Collection method: clinical testing. Allele origin: germline. Affected: yes.
Comment: In silico analysis supports that this missense variant has a deleterious effect on protein structure/function; In silico analysis, which includes splice predictors and evolutionary conservation, suggests this variant may impact gene splicing. In the absence of RNA/functional studies, the actual effect of this sequence change is unknown.; Has not been previously published as pathogenic or benign to our knowledge

NM_001042681.2(RERE):c.1745C>T (p.Ser582Leu)

Gene: RERE (arginine-glutamic acid dipeptide repeats; minus strand). Cytogenetic location: 1p36.23.
Variant type: single nucleotide variant.
Coding change: c.1745C>T on transcript NM_001042681.2 (MANE Select); coding-DNA position 1745, C replaced by T.
Protein change: p.Ser582Leu; replaces serine 582 with leucine.
Molecular consequence: missense variant.
Genome position (GRCh38, 1-based): chr1:8,362,840, G>A on the plus strand (C>T on the coding strand, the complement: RERE is on the minus strand). VCF-style: chr1-8362840-G-A. GRCh37 (hg19) VCF-style: chr1-8422900-G-A.
Other names: c.83C>T, p.Ser28Leu (NM_001042682.2); c.1745C>T, p.Ser582Leu (NM_012102.4); short protein forms S28L, S582L.
Identifiers: ClinVar variation 1802128 (VCV001802128.5), dbSNP rs377540500, ClinGen allele CA571555.